The following is an entry in ClinVar:

NM_017636.4(TRPM4):c.1726A>G (p.Met576Val)

Gene: TRPM4 (transient receptor potential cation channel subfamily M member 4; plus strand). Cytogenetic location: 19q13.33.
Variant type: single nucleotide variant.
Coding change: c.1726A>G on transcript NM_017636.4 (MANE Select); coding-DNA position 1726, A replaced by G.
Protein change: p.Met576Val; replaces methionine 576 with valine.
Molecular consequence: missense variant.
Genome position (GRCh38, 1-based): chr19:49,183,195, A>G. VCF-style: chr19-49183195-A-G. GRCh37 (hg19) VCF-style: chr19-49686452-A-G.
Other names: c.1726A>G, p.Met576Val (NM_001195227.2); c.1381A>G, p.Met461Val (NM_001321281.2); c.118A>G, p.Met40Val (NM_001321282.2); c.1204A>G, p.Met402Val (NM_001321283.2); c.664A>G, p.Met222Val (NM_001321285.2); short protein forms M576V, M222V, M461V, M402V, M40V.
Identifiers: ClinVar variation 536795 (VCV000536795.12), dbSNP rs1555756223, ClinGen allele CA406800708.

ClinVar aggregate classification (germline): Uncertain significance. Review status: criteria provided, multiple submitters, no conflicts (2 of 4 stars). 2 submissions from 2 submitters: Uncertain significance (2). Last evaluated 2019-03-09.

Conditions:
Progressive familial heart block type IB (PFHB1B). Identifiers: Orphanet 871, MedGen C1970298, MONDO:0011474, OMIM 604559.

gnomAD v4.1: 1 of 1,614,140 alleles (0.000062%); highest among the groups gnomAD compares: Non-Finnish European, 0.000085%; no homozygotes.

Submissions (2):

Labcorp Genetics (formerly Invitae), Labcorp
Classification: Uncertain significance for Progressive familial heart block type IB. Last evaluated: 2019-03-09. Review status: criteria provided, single submitter. Criteria: Invitae Variant Classification Sherloc (09022015). Collection method: clinical testing. Allele origin: germline.
Comment: In summary, the available evidence is currently insufficient to determine the role of this variant in disease. Therefore, it has been classified as a Variant of Uncertain Significance. Algorithms developed to predict the effect of missense changes on protein structure and function output the following: SIFT: "Tolerated"; PolyPhen-2: "Benign"; Align-GVGD: "Class C0". The valine amino acid residue is found in multiple mammalian species, suggesting that this missense change does not adversely affect protein function. These predictions have not been confirmed by published functional studies and their clinical significance is uncertain. This variant has not been reported in the literature in individuals with TRPM4-related disease. This variant is not present in population databases (ExAC no frequency). This sequence change replaces methionine with valine at codon 576 of the TRPM4 protein (p.Met576Val). The methionine residue is weakly conserved and there is a small physicochemical difference between methionine and valine.

Stanford Center for Inherited Cardiovascular Disease, Stanford University
Classification: Uncertain significance. Last evaluated: 2018-02-06. Review status: criteria provided, single submitter. Criteria: ACMG Guidelines, 2015. Collection method: provider interpretation. Allele origin: germline.